The following is an entry in ClinVar:

NM_000548.5(TSC2):c.5142G>A (p.Gln1714=)

Gene: TSC2 (TSC complex subunit 2; plus strand). Cytogenetic location: 16p13.3.
Variant type: single nucleotide variant.
Coding change: c.5142G>A on transcript NM_000548.5 (MANE Select); coding-DNA position 5142, G replaced by A.
Protein change: p.Gln1714=; no amino-acid change (glutamine 1714 retained).
Molecular consequence: synonymous variant.
Genome position (GRCh38, 1-based): chr16:2,088,121, G>A. VCF-style: chr16-2088121-G-A. GRCh37 (hg19) VCF-style: chr16-2138122-G-A.
Other names: p.Q1714Q:CAG>CAA; c.4941G>A, p.Gln1647= (NM_001077183.3); c.5073G>A, p.Gln1691= (NM_001114382.3); c.4833G>A, p.Gln1611= (NM_001318827.2); c.4797G>A, p.Gln1599= (NM_001318829.2); c.4410G>A, p.Gln1470= (NM_001318831.2); c.4974G>A, p.Gln1658= (NM_001318832.2); c.4944G>A, p.Gln1648= (NM_001363528.2); and 3 more.
Identifiers: ClinVar variation 207694 (VCV000207694.44), dbSNP rs147147042, ClinGen allele CA054054.
Genomic context (GRCh38, chr16:2,088,121, plus strand): 5'-TGTGGACACCAGCGTGGCCAAGATCGTGTCTGACCGCAACCTGCCCTTCGTGGCCCGCCA[G>A]ATGGCCCTGCACGCAAATGTGAGTGGGGGTGGGTCCAGGCGTGAGCTGGTGGGACAGGCC-3'
Protein context (NP_000539.2, residues 1704-1724): SDRNLPFVAR[Gln1714=]MALHANMASQ

ClinVar aggregate classification (germline): Conflicting classifications of pathogenicity. Review status: criteria provided, conflicting classifications (1 of 4 stars). 16 submissions from 16 submitters: Uncertain significance (1); Benign (5); Likely benign (9). 1 of the submissions does not count toward it. Last evaluated 2026-05-01.

Conditions:
Tuberous sclerosis syndrome (TSC). Also called: Tuberous Sclerosis Complex; Tuberous sclerosis. Identifiers: Orphanet 805, MedGen C0041341, MONDO:0001734.
TSC2-related disorder. Also called: TSC2-Related Disorders; TSC2-related condition.
Tuberous sclerosis 2 (TSC2). Identifiers: Orphanet 805, MedGen C1860707, MONDO:0013199, OMIM 613254.
Hereditary cancer-predisposing syndrome. Also called: Tumor predisposition; Neoplastic Syndromes, Hereditary; Hereditary Cancer Syndrome; Hereditary neoplastic syndrome. Identifiers: Orphanet 140162, MedGen C0027672, MeSH D009386, MONDO:0015356.

Allele frequency attached by ClinVar (database versions not stated): gnomAD exomes 0.00004 and 0.00016; TOPMed 0.00007; ExAC 0.00008; gnomAD 0.00009; ESP Exome Variant Server 0.00015; 1000 Genomes Project 30x 0.00016; 1000 Genomes Project 0.00020.
gnomAD v4.1: 256 of 1,612,982 alleles (0.016%); highest among the groups gnomAD compares: Non-Finnish European, 0.02%; no homozygotes.

Submissions (16):

CeGaT Center for Human Genetics Tuebingen
Classification: Likely benign. Last evaluated: 2026-05-01. Review status: criteria provided, single submitter. Criteria: CeGaT Center For Human Genetics Tuebingen Variant Classification Criteria Version 2. Collection method: clinical testing. Allele origin: germline. Affected: yes. Observed: 2 variant alleles.
Comment: TSC2: BP4

Labcorp Genetics (formerly Invitae), Labcorp
Classification: Benign for Tuberous sclerosis 2. Last evaluated: 2026-01-28. Review status: criteria provided, single submitter. Criteria: Invitae Variant Classification Sherloc (09022015). Collection method: clinical testing. Allele origin: germline.

ARUP Laboratories, Molecular Genetics and Genomics, ARUP Laboratories
Classification: Likely benign. Last evaluated: 2025-06-23. Review status: criteria provided, single submitter. Criteria: ARUP Molecular Germline Variant Investigation Process 2024. Collection method: clinical testing. Allele origin: germline.

Myriad Genetics, Inc.
Classification: Benign for Tuberous sclerosis 2. Last evaluated: 2025-06-06. Review status: criteria provided, single submitter. Criteria: Myriad Autosomal Dominant, Autosomal Recessive and X-Linked Classification Criteria (2023). Collection method: clinical testing. Allele origin: unknown.
Comment: This variant is considered benign. This variant is a silent/synonymous amino acid change and it is not expected to impact splicing.

Blueprint Genetics
Classification: Likely benign. Last evaluated: 2024-03-19. Review status: criteria provided, single submitter. Criteria: ACMG Guidelines, 2015. Collection method: clinical testing. Allele origin: germline.

All of Us Research Program, National Institutes of Health
Classification: Likely benign for Tuberous sclerosis syndrome. Last evaluated: 2024-02-05. Review status: criteria provided, single submitter. Criteria: ACMG Guidelines, 2015. Collection method: clinical testing. Allele origin: germline. Inheritance: Autosomal dominant inheritance. Observed: 26 variant alleles, 26 heterozygotes.
Comment: This study involves interpretation of variants in research participants for the purpose of population health screening. Participant phenotype was not available at the time of variant classification. Additional details can be found in publication PMID: 35346344, PMCID: PMC8962531

Color Diagnostics, LLC DBA Color Health
Classification: Likely benign for Tuberous sclerosis syndrome. Last evaluated: 2022-11-06. Review status: criteria provided, single submitter. Criteria: ACMG Guidelines, 2015. Collection method: clinical testing. Allele origin: germline.

Genome-Nilou Lab
Classification: Benign for Tuberous sclerosis 2. Last evaluated: 2021-11-07. Review status: criteria provided, single submitter. Criteria: ACMG Guidelines, 2015. Collection method: clinical testing. Allele origin: germline. Affected: no.

Institute for Clinical Genetics, University Hospital TU Dresden, University Hospital TU Dresden
Classification: Uncertain significance. Last evaluated: 2021-11-03. Review status: criteria provided, single submitter. Criteria: ACMG Guidelines, 2015. Collection method: clinical testing. Allele origin: germline.

Sema4
Classification: Likely benign for Hereditary cancer-predisposing syndrome. Last evaluated: 2021-07-18. Review status: criteria provided, single submitter. Criteria: Sema4 Curation Guidelines. Collection method: curation. Allele origin: germline.

Illumina Laboratory Services, Illumina
Classification: Likely benign for Tuberous sclerosis syndrome. Last evaluated: 2018-01-13. Review status: criteria provided, single submitter. Criteria: ICSL Variant Classification Criteria 13 December 2019. Collection method: clinical testing. Allele origin: germline.
Comment: This variant was observed in the ICSL laboratory as part of a predisposition screen in an ostensibly healthy population. It had not been previously curated by ICSL or reported in the Human Gene Mutation Database (HGMD: prior to June 1st, 2018), and was therefore a candidate for classification through an automated scoring system. Utilizing variant allele frequency, disease prevalence and penetrance estimates, and inheritance mode, an automated score was calculated to assess if this variant is too frequent to cause the disease. Based on the score and internal cut-off values, a variant classified as likely benign is not then subjected to further curation. The score for this variant resulted in a classification of likely benign for this disease.

Eurofins Ntd Llc (ga)
Classification: Likely benign. Last evaluated: 2017-01-23. Review status: criteria provided, single submitter. Criteria: EGL Classification Definitions 2015. Collection method: clinical testing. Allele origin: germline. Observed: 1 variant allele, 1 heterozygote.

Quest Diagnostics Nichols Institute San Juan Capistrano
Classification: Benign. Last evaluated: 2016-06-29. Review status: criteria provided, single submitter. Criteria: Quest Diagnostics criteria. Collection method: clinical testing. Allele origin: unknown.

Ambry Genetics
Classification: Likely benign for Hereditary cancer-predisposing syndrome. Last evaluated: 2015-04-28. Review status: criteria provided, single submitter. Criteria: Ambry Variant Classification Scheme 2023. Collection method: clinical testing. Allele origin: germline.

GeneDx
Classification: Benign. Last evaluated: 2014-09-26. Review status: criteria provided, single submitter. Criteria: GeneDx Variant Classification (06012015). Collection method: clinical testing. Allele origin: germline. Affected: yes.
Comment: This variant is considered likely benign or benign based on one or more of the following criteria: it is a conservative change, it occurs at a poorly conserved position in the protein, it is predicted to be benign by multiple in silico algorithms, and/or has population frequency not consistent with disease.

PreventionGenetics, part of Exact Sciences
Classification: Likely benign for TSC2-related condition. Last evaluated: 2022-12-30. Review status: no assertion criteria provided. Collection method: clinical testing. Allele origin: germline. Not counted in ClinVar's aggregate classification.
Comment: This variant is classified as likely benign based on ACMG/AMP sequence variant interpretation guidelines (Richards et al. 2015 PMID: 25741868, with internal and published modifications).